The following is an entry in ClinVar:

NM_005476.7(GNE):c.1633+341G>T

Gene: GNE (glucosamine (UDP-N-acetyl)-2-epimerase/N-acetylmannosamine kinase; minus strand). Cytogenetic location: 9p13.3.
Variant type: single nucleotide variant.
Coding change: c.1633+341G>T on transcript NM_005476.7 (MANE Select); 341 bases into the intron after coding-DNA position 1633, G replaced by T.
Molecular consequence: intron variant.
Genome position (GRCh38, 1-based): chr9:36,222,436, C>A on the plus strand (G>T on the coding strand, the complement: GNE is on the minus strand). VCF-style: chr9-36222436-C-A. GRCh37 (hg19) VCF-style: chr9-36222433-C-A.
Other names: c.1456+341G>T (NM_001190388.2, NM_001374798.1); c.1726+341G>T (NM_001128227.3); c.1303+341G>T (NM_001190384.3); c.1480+341G>T (NM_001374797.1); c.1411+937G>T (NM_001190383.3).
Identifiers: ClinVar variation 671733 (VCV000671733.1), dbSNP rs867242865, ClinGen allele CA192843141.

ClinVar aggregate classification (germline): Likely benign (1 of 4 stars; one submission).

Allele frequency attached by ClinVar (database versions not stated): TOPMed 0.01024; gnomAD 0.01124 and 0.01215.
gnomAD v4.1: 1,346 of 120,742 alleles (1.1%); highest among the groups gnomAD compares: African/African-American, 3.7%; 23 homozygotes.

Submission:

GeneDx
Classification: Likely benign. Last evaluated: 2018-06-18. Review status: criteria provided, single submitter. Criteria: GeneDx Variant Classification (06012015). Collection method: clinical testing. Allele origin: germline. Affected: yes.
Comment: This variant is considered likely benign or benign based on one or more of the following criteria: it is a conservative change, it occurs at a poorly conserved position in the protein, it is predicted to be benign by multiple in silico algorithms, and/or has population frequency not consistent with disease.